The following is an entry in ClinVar:

NM_182972.3(IRF2BP2):c.1410C>T (p.Gly470=)

Gene: IRF2BP2 (interferon regulatory factor 2 binding protein 2; minus strand). Cytogenetic location: 1q42.3.
Variant type: single nucleotide variant.
Coding change: c.1410C>T on transcript NM_182972.3 (MANE Select); coding-DNA position 1410, C replaced by T.
Protein change: p.Gly470=; no amino-acid change (glycine 470 retained).
Molecular consequence: synonymous variant.
Genome position (GRCh38, 1-based): chr1:234,607,491, G>A on the plus strand (C>T on the coding strand, the complement: IRF2BP2 is on the minus strand). VCF-style: chr1-234607491-G-A. GRCh37 (hg19) VCF-style: chr1-234743237-G-A.
Other names: p.Gly470=; c.1362C>T, p.Gly454= (NM_001077397.1).
Identifiers: ClinVar variation 402981 (VCV000402981.14), dbSNP rs7543281, ClinGen allele CA1461564.

ClinVar aggregate classification (germline): Benign. Review status: criteria provided, multiple submitters, no conflicts (2 of 4 stars). 5 submissions from 5 submitters: Benign (5). Last evaluated 2026-02-04.

Allele frequency attached by ClinVar (database versions not stated): 1000 Genomes Project 30x 0.08370; 1000 Genomes Project 0.08526; gnomAD exomes 0.10801 and 0.12831; TOPMed 0.10838; ExAC 0.10904; gnomAD 0.11423 and 0.11693; ESP Exome Variant Server 0.12417.
gnomAD v4.1: 204,309 of 1,614,126 alleles (13%); highest among the groups gnomAD compares: Middle Eastern, 15%; 13,754 homozygotes.

Submissions (5):

Labcorp Genetics (formerly Invitae), Labcorp
Classification: Benign. Last evaluated: 2026-02-04. Review status: criteria provided, single submitter. Criteria: Invitae Variant Classification Sherloc (09022015). Collection method: clinical testing. Allele origin: germline.

Women's Health and Genetics/Laboratory Corporation of America, LabCorp
Classification: Benign. Last evaluated: 2026-01-21. Review status: criteria provided, single submitter. Criteria: LabCorp Variant Classification Summary - May 2015. Collection method: clinical testing. Allele origin: germline.

Mayo Clinic Laboratories, Mayo Clinic
Classification: Benign. Last evaluated: 2022-09-06. Review status: criteria provided, single submitter. Criteria: ACMG Guidelines, 2015. Collection method: clinical testing. Allele origin: germline. Observed: 8 variant alleles.

Laboratory for Molecular Medicine, Mass General Brigham Personalized Medicine
Classification: Benign. Last evaluated: 2016-03-29. Review status: criteria provided, single submitter. Criteria: LMM Criteria. Collection method: clinical testing. Allele origin: germline.
Comment: Variant identified in a genome or exome case(s) and assessed due to predicted null impact of the variant or pathogenic assertions in the literature or databases. Disclaimer: This variant has not undergone full assessment. The following are preliminary notes: MAF

Breakthrough Genomics
Classification: Benign. Review status: criteria provided, single submitter. Criteria: ACMG Guidelines, 2015. Collection method: not provided. Allele origin: germline. Inheritance: Autosomal dominant inheritance. Affected: yes.